The following is an entry in ClinVar:

ClinVar aggregate classification (germline): Uncertain significance (1 of 4 stars; one submission).

Allele frequency attached by ClinVar (database versions not stated): gnomAD exomes below 0.00001; gnomAD 0.00001.
gnomAD v4.1: 3 of 1,612,802 alleles (0.00019%); highest among the groups gnomAD compares: Admixed American, 0.005%; no homozygotes.

Submission:

Labcorp Genetics (formerly Invitae), Labcorp
Classification: Uncertain significance. Last evaluated: 2022-11-22. Review status: criteria provided, single submitter. Criteria: Invitae Variant Classification Sherloc (09022015). Collection method: clinical testing. Allele origin: germline.
Comment: In summary, the available evidence is currently insufficient to determine the role of this variant in disease. Therefore, it has been classified as a Variant of Uncertain Significance. Algorithms developed to predict the effect of missense changes on protein structure and function (SIFT, PolyPhen-2, Align-GVGD) all suggest that this variant is likely to be tolerated. ClinVar contains an entry for this variant (Variation ID: 1349493). This variant has not been reported in the literature in individuals affected with TOP2B-related conditions. This variant is not present in population databases (gnomAD no frequency). This sequence change replaces glycine, which is neutral and non-polar, with aspartic acid, which is acidic and polar, at codon 1475 of the TOP2B protein (p.Gly1475Asp).

NM_001330700.2(TOP2B):c.4439G>A (p.Gly1480Asp)

Gene: TOP2B (DNA topoisomerase II beta; minus strand). Cytogenetic location: 3p24.2.
Variant type: single nucleotide variant.
Coding change: c.4439G>A on transcript NM_001330700.2 (MANE Select); coding-DNA position 4439, G replaced by A.
Protein change: p.Gly1480Asp; replaces glycine 1480 with aspartic acid.
Molecular consequence: missense variant.
Genome position (GRCh38, 1-based): chr3:25,604,810, C>T on the plus strand (G>A on the coding strand, the complement: TOP2B is on the minus strand). VCF-style: chr3-25604810-C-T. GRCh37 (hg19) VCF-style: chr3-25646301-C-T.
Other names: c.4424G>A, p.Gly1475Asp (NM_001068.3); short protein forms G1480D, G1475D.
Identifiers: ClinVar variation 1349493 (VCV001349493.8), dbSNP rs1702195037, ClinGen allele CA351891652.
Genomic context (GRCh38, chr3:25,604,810, plus strand): 5'-AAGTACATACCCTTTTTAGCAGCTACCGTTTTACTTGGAACTTTATCTGTCTGTTTCAGA[C>T]CAAATGATGGTGAAAAAACAGAAGCAGAATCTTCTTCATTACTGTCAAATTTAGCTGAAT-3'
Protein context (NP_001317629.1, residues 1470-1490): DSASVFSPSF[Gly1480Asp]LKQTDKVPSK